The following is an entry in ClinVar:

ClinVar aggregate classification (germline): Uncertain significance (1 of 4 stars; one submission).

Submission:

GeneDx
Classification: Uncertain significance. Last evaluated: 2019-04-12. Review status: criteria provided, single submitter. Criteria: GeneDx Variant Classification Process June 2021. Collection method: clinical testing. Allele origin: germline. Affected: yes.
Comment: Variants in candidate genes are classified as variants of uncertain significance in accordance with ACMG guidelines (Richards et al., 2015); Has not been previously published as pathogenic or benign to our knowledge; Not observed in large population cohorts (Lek et al., 2016); In silico analysis, which includes splice predictors and evolutionary conservation, supports a deleterious effect

NM_012310.5(KIF4A):c.1133+4A>G

Gene: KIF4A (kinesin family member 4A; plus strand). Cytogenetic location: Xq13.1.
Variant type: single nucleotide variant.
Coding change: c.1133+4A>G on transcript NM_012310.5 (MANE Select); 4 bases into the intron after coding-DNA position 1133, A replaced by G.
Molecular consequence: intron variant.
Genome position (GRCh38, 1-based): chrX:70,333,693, A>G. VCF-style: chrX-70333693-A-G. GRCh37 (hg19) VCF-style: chrX-69553543-A-G.
Identifiers: ClinVar variation 1305006 (VCV001305006.2), dbSNP rs2147693543, ClinGen allele CA2573055383.